The following is an entry in ClinVar:

ClinVar aggregate classification (germline): Uncertain significance (1 of 4 stars; one submission).

Conditions:
Malignant hyperthermia, susceptibility to, 5 (MHS5). Also called: CACNA1S-Related Malignant Hyperthermia Susceptibility. Identifiers: Orphanet 423, MedGen C1866077, MONDO:0011163, OMIM 601887.

Submission:

All of Us Research Program, National Institutes of Health
Classification: Uncertain significance for Malignant hyperthermia, susceptibility to, 5. Last evaluated: 2023-11-30. Review status: criteria provided, single submitter. Criteria: ACMG Guidelines, 2015. Collection method: clinical testing. Allele origin: germline. Inheritance: Autosomal dominant inheritance. Observed: 1 variant allele, 1 heterozygote.
Comment: This study involves interpretation of variants in research participants for the purpose of population health screening. Participant phenotype was not available at the time of variant classification. Additional details can be found in publication PMID: 35346344, PMCID: PMC8962531

NM_000069.3(CACNA1S):c.2479A>T (p.Met827Leu)

Gene: CACNA1S (calcium voltage-gated channel subunit alpha1 S; minus strand). Cytogenetic location: 1q32.1.
Variant type: single nucleotide variant.
Coding change: c.2479A>T on transcript NM_000069.3 (MANE Select); coding-DNA position 2479, A replaced by T.
Protein change: p.Met827Leu; replaces methionine 827 with leucine.
Molecular consequence: missense variant.
Genome position (GRCh38, 1-based): chr1:201,069,483, T>A on the plus strand (A>T on the coding strand, the complement: CACNA1S is on the minus strand). VCF-style: chr1-201069483-T-A. GRCh37 (hg19) VCF-style: chr1-201038611-T-A.
Other names: short protein forms M827L.
Identifiers: ClinVar variation 3073957 (VCV003073957.1), dbSNP rs1413875465, ClinGen allele CA344106530.